The following is an entry in ClinVar:

NM_198129.4(LAMA3):c.9311C>T (p.Ala3104Val)

Gene: LAMA3 (laminin subunit alpha 3; plus strand). Cytogenetic location: 18q11.2.
Variant type: single nucleotide variant.
Coding change: c.9311C>T on transcript NM_198129.4 (MANE Select); coding-DNA position 9311, C replaced by T.
Protein change: p.Ala3104Val; replaces alanine 3104 with valine.
Molecular consequence: missense variant.
Genome position (GRCh38, 1-based): chr18:23,946,244, C>T. VCF-style: chr18-23946244-C-T. GRCh37 (hg19) VCF-style: chr18-21526208-C-T.
Other names: c.4484C>T, p.Ala1495Val (NM_000227.6); c.9143C>T, p.Ala3048Val (NM_001127717.4); c.4316C>T, p.Ala1439Val (NM_001127718.4); short protein forms A3048V, A1439V, A3104V, A1495V.
Identifiers: ClinVar variation 653457 (VCV000653457.10), dbSNP rs571009750, ClinGen allele CA8917152.

ClinVar aggregate classification (germline): Pathogenic/Likely pathogenic. Review status: criteria provided, multiple submitters, no conflicts (2 of 4 stars). 2 submissions from 2 submitters: Pathogenic (1); Likely pathogenic (1). Last evaluated 2025-07-10.

Allele frequency attached by ClinVar (database versions not stated): gnomAD 0.00003.
gnomAD v4.1: 59 of 1,613,864 alleles (0.0037%); highest among the groups gnomAD compares: South Asian, 0.029%; no homozygotes.

Submissions (2):

Dasa
Classification: Likely pathogenic. Last evaluated: 2025-07-10. Review status: criteria provided, single submitter. Criteria: DASA Assertion Criteria. Collection method: clinical testing. Allele origin: germline.
Comment: NM_198129.4(LAMA3):c.9311C>T (p.Ala3104Val) is a missense variant that results in the substitution of alanine with valine. This variant has been recurrently observed in individuals with LAMA3-related disorders (PMID: 27827380; PMID: 22434185). Functional evidence supports an impact on the gene or gene product (PMID: 27827380). Also, this variant is rare in population databases. Based on the currently available evidence, this variant is classified as likely pathogenic.

Labcorp Genetics (formerly Invitae), Labcorp
Classification: Pathogenic. Last evaluated: 2024-02-19. Review status: criteria provided, single submitter. Criteria: Invitae Variant Classification Sherloc (09022015). Collection method: clinical testing. Allele origin: germline.
Comment: This sequence change replaces alanine, which is neutral and non-polar, with valine, which is neutral and non-polar, at codon 1495 of the LAMA3 protein (p.Ala1495Val). This variant is present in population databases (rs571009750, gnomAD 0.03%). This missense change has been observed in individual(s) with junctional epidermolysis bullosa (PMID: 22434185, 27827380). In at least one individual the data is consistent with being in trans (on the opposite chromosome) from a pathogenic variant. ClinVar contains an entry for this variant (Variation ID: 653457). An algorithm developed to predict the effect of missense changes on protein structure and function (PolyPhen-2) suggests that this variant is likely to be tolerated. For these reasons, this variant has been classified as Pathogenic.

Literature cited by the submitters: PubMed 27827380 (cited by Dasa and Labcorp Genetics (formerly Invitae), Labcorp); PubMed 22434185 (cited by Dasa and Labcorp Genetics (formerly Invitae), Labcorp).